The following is an entry in ClinVar:

NM_030665.4(RAI1):c.694G>A (p.Gly232Arg)

Gene: RAI1 (retinoic acid induced 1; plus strand). Cytogenetic location: 17p11.2.
Variant type: single nucleotide variant.
Coding change: c.694G>A on transcript NM_030665.4 (MANE Select); coding-DNA position 694, G replaced by A.
Protein change: p.Gly232Arg; replaces glycine 232 with arginine.
Molecular consequence: missense variant.
Genome position (GRCh38, 1-based): chr17:17,793,642, G>A. VCF-style: chr17-17793642-G-A. GRCh37 (hg19) VCF-style: chr17-17696956-G-A.
Other names: short protein forms G232R.
Identifiers: ClinVar variation 3348566 (VCV003348566.1).

ClinVar aggregate classification (germline): Uncertain significance (0 of 4 stars; one submission).

Conditions:
RAI1-related disorder. Also called: RAI1-related condition.

gnomAD v4.1: 1 of 1,613,292 alleles (0.000062%); highest among the groups gnomAD compares: Admixed American, 0.0017%; no homozygotes.

Submission:

PreventionGenetics, part of Exact Sciences
Classification: Uncertain significance for RAI1-related condition. Last evaluated: 2024-02-27. Review status: no assertion criteria provided. Collection method: clinical testing. Allele origin: germline.
Comment: The RAI1 c.694G>A variant is predicted to result in the amino acid substitution p.Gly232Arg. To our knowledge, this variant has not been reported in the literature. This variant is reported in 0.0029% of alleles in individuals of Latino descent in gnomAD. At this time, the clinical significance of this variant is uncertain due to the absence of conclusive functional and genetic evidence.